The following is an entry in ClinVar:

NM_004958.4(MTOR):c.5213A>C (p.Gln1738Pro)

Gene: MTOR (mechanistic target of rapamycin kinase; minus strand). Cytogenetic location: 1p36.22.
Variant type: single nucleotide variant.
Coding change: c.5213A>C on transcript NM_004958.4 (MANE Select); coding-DNA position 5213, A replaced by C.
Protein change: p.Gln1738Pro; replaces glutamine 1738 with proline.
Molecular consequence: missense variant.
Genome position (GRCh38, 1-based): chr1:11,134,384, T>G on the plus strand (A>C on the coding strand, the complement: MTOR is on the minus strand). VCF-style: chr1-11134384-T-G. GRCh37 (hg19) VCF-style: chr1-11194441-T-G.
Other names: c.5213A>C, p.Gln1738Pro (NM_001386500.1); c.3965A>C, p.Gln1322Pro (NM_001386501.1); short protein forms Q1322P, Q1738P.
Identifiers: ClinVar variation 2156077 (VCV002156077.4), dbSNP rs754300023, ClinGen allele CA589420.

ClinVar aggregate classification (germline): Uncertain significance (1 of 4 stars; one submission).

Allele frequency attached by ClinVar (database versions not stated): ExAC 0.00001; gnomAD exomes 0.00002.
gnomAD v4.1: 27 of 1,614,210 alleles (0.0017%); highest among the groups gnomAD compares: East Asian, 0.0022%; no homozygotes.

Submission:

Labcorp Genetics (formerly Invitae), Labcorp
Classification: Uncertain significance. Last evaluated: 2022-10-19. Review status: criteria provided, single submitter. Criteria: Invitae Variant Classification Sherloc (09022015). Collection method: clinical testing. Allele origin: germline.
Comment: This sequence change replaces glutamine, which is neutral and polar, with proline, which is neutral and non-polar, at codon 1738 of the MTOR protein (p.Gln1738Pro). This variant is present in population databases (rs754300023, gnomAD 0.0009%). This variant has not been reported in the literature in individuals affected with MTOR-related conditions. Advanced modeling of protein sequence and biophysical properties (such as structural, functional, and spatial information, amino acid conservation, physicochemical variation, residue mobility, and thermodynamic stability) performed at Invitae indicates that this missense variant is not expected to disrupt MTOR protein function. In summary, the available evidence is currently insufficient to determine the role of this variant in disease. Therefore, it has been classified as a Variant of Uncertain Significance.